The following is an entry in ClinVar:

ClinVar aggregate classification (germline): Likely pathogenic (1 of 4 stars; one submission).

Conditions:
Hepatoencephalopathy due to combined oxidative phosphorylation defect type 1. Also called: HEPATOENCEPHALOPATHY, EARLY FATAL PROGRESSIVE. Identifiers: Orphanet 137681, MedGen C1836797, MONDO:0012191, OMIM 609060.

Submission:

Natera, Inc.
Classification: Likely pathogenic for Combined oxidative phosphorylation deficiency 1. Last evaluated: 2024-07-26. Review status: criteria provided, single submitter. Criteria: Natera Variant Classification Schema (03/2026). Collection method: clinical testing. Allele origin: germline.
Comment: The c.1139_1142dup variant in GFM1 is a frameshift variant predicted to shift the reading frame beginning at codon 382 and leads to a stop codon 2 codons downstream. This variant is expected to result in nonsense mediated decay, truncation, or a dysfunctional protein product. This variant is rare in the general population with a frequency below the threshold expected for the associated phenotype(s). Given the available evidence, this variant is classified as Likely Pathogenic.

NM_024996.7(GFM1):c.1139_1142dup (p.Asp382fs)

Gene: GFM1 (G elongation factor mitochondrial 1; plus strand). Cytogenetic location: 3q25.32.
Variant type: Duplication.
Coding change: c.1139_1142dup on transcript NM_024996.7 (MANE Select); coding-DNA positions 1139 to 1142, 4 bases duplicated (AGGG; older notation c.1139_1142dupAGGG).
Protein change: p.Asp382fs; shifts the reading frame from aspartic acid 382.
Molecular consequence: frameshift variant. On other transcripts: non-coding transcript variant (4), intron variant (1).
Genome position (GRCh38, 1-based): chr3:158,658,977-158,658,980, AGGG duplicated. VCF-style (leftmost placement, unchanged base first): chr3-158658976-A-AAGGG. GRCh37 (hg19) VCF-style: chr3-158376765-A-AAGGG.
Other names: c.1196_1199dup, p.Asp401fs (NM_001308164.2); c.1139_1142dup, p.Asp382fs (NM_001308166.2); c.1022_1025dup, p.Asp343fs (NM_001374356.1); c.914_917dup, p.Asp307fs (NM_001374357.1); c.680_683dup, p.Asp229fs (NM_001374358.1); c.572_575dup, p.Asp193fs (NM_001374359.1, NM_001374360.1); c.455_458dup, p.Asp154fs (NM_001374361.1); c.1141-1897_1141-1894dup (NM_001374355.1); short protein forms D154fs, D193fs, D229fs, D307fs, D343fs, D382fs, D401fs.
Identifiers: ClinVar variation 4816179 (VCV004816179.1).
Genomic context (GRCh38, chr3:158,658,976, plus strand): 5'-TTCTAGGTAGGTCGATTTGGACAATTAACTTATGTTCGCAGTTATCAGGGAGAGCTAAAG[A>AAGGG]AGGGTGACACCATCTATAACACAAGGACAAGAAAGAAAGTACGGTTGCAACGGCTGGCTC-3'